The following is an entry in ClinVar:

ClinVar aggregate classification (germline): Uncertain significance. Review status: criteria provided, multiple submitters, no conflicts (2 of 4 stars). 2 submissions from 2 submitters: Uncertain significance (2). Last evaluated 2022-04-22.

Conditions:
Charcot-Marie-Tooth disease dominant intermediate B (CMTDIB). Also called: CHARCOT-MARIE-TOOTH NEUROPATHY, DOMINANT INTERMEDIATE B; Charcot-Marie-Tooth disease dominant intermediate 1; CMT DI1; Charcot-Marie-Tooth disease dominant intermediate I. Identifiers: Orphanet 100044, Orphanet 228179, MedGen C1847902, MONDO:0011674, OMIM 606482.

Allele frequency attached by ClinVar (database versions not stated): TOPMed below 0.00001.

Submissions (2):

Labcorp Genetics (formerly Invitae), Labcorp
Classification: Uncertain significance for Charcot-Marie-Tooth disease dominant intermediate B. Last evaluated: 2022-04-22. Review status: criteria provided, single submitter. Criteria: Invitae Variant Classification Sherloc (09022015). Collection method: clinical testing. Allele origin: germline.
Comment: In summary, the available evidence is currently insufficient to determine the role of this variant in disease. Therefore, it has been classified as a Variant of Uncertain Significance. Algorithms developed to predict the effect of missense changes on protein structure and function output the following: SIFT: "Tolerated"; PolyPhen-2: "Benign"; Align-GVGD: "Class C0". The methionine amino acid residue is found in multiple mammalian species, which suggests that this missense change does not adversely affect protein function. This variant has not been reported in the literature in individuals affected with DNM2-related conditions. This variant is not present in population databases (gnomAD no frequency). This sequence change replaces leucine, which is neutral and non-polar, with methionine, which is neutral and non-polar, at codon 189 of the DNM2 protein (p.Leu189Met).

Revvity Omics, Revvity
Classification: Uncertain significance. Last evaluated: 2019-05-02. Review status: criteria provided, single submitter. Criteria: ACMG Guidelines, 2015. Collection method: clinical testing. Allele origin: germline.

NM_001005361.3(DNM2):c.565C>A (p.Leu189Met)

Gene: DNM2 (dynamin 2; plus strand). Cytogenetic location: 19p13.2.
Variant type: single nucleotide variant.
Coding change: c.565C>A on transcript NM_001005361.3 (MANE Select); coding-DNA position 565, C replaced by A.
Protein change: p.Leu189Met; replaces leucine 189 with methionine.
Molecular consequence: missense variant.
Genome position (GRCh38, 1-based): chr19:10,775,882, C>A. VCF-style: chr19-10775882-C-A. GRCh37 (hg19) VCF-style: chr19-10886558-C-A.
Other names: c.565C>A, p.Leu189Met (NM_001005360.3, NM_001005362.3, NM_001190716.2 and 1 more transcripts); short protein forms L189M.
Identifiers: ClinVar variation 2111633 (VCV002111633.7), dbSNP rs1194220078, ClinGen allele CA404042957.